The following is an entry in ClinVar:

NM_000170.3(GLDC):c.1676C>A (p.Thr559Asn)

Gene: GLDC (glycine decarboxylase; minus strand). Cytogenetic location: 9p24.1.
Variant type: single nucleotide variant.
Coding change: c.1676C>A on transcript NM_000170.3 (MANE Select); coding-DNA position 1676, C replaced by A.
Protein change: p.Thr559Asn; replaces threonine 559 with asparagine.
Molecular consequence: missense variant.
Genome position (GRCh38, 1-based): chr9:6,588,432, G>T on the plus strand (C>A on the coding strand, the complement: GLDC is on the minus strand). VCF-style: chr9-6588432-G-T. GRCh37 (hg19) VCF-style: chr9-6588432-G-T.
Other names: short protein forms T559N.
Identifiers: ClinVar variation 558562 (VCV000558562.10), dbSNP rs1554646634, ClinGen allele CA372892310.
Genomic context (GRCh38, chr9:6,588,432, plus strand): 5'-GTATCCACTTACAGAAGTGAGCTACTTACTGCGAGTTCAGACGAACTGTTCAGTTTCATG[G>T]TGCAGGATCCCTTTAAGAAGAACATCCAAAATGTATCACATTAGTGATTTTCTATAGTCC-3'
Protein context (NP_000161.2, residues 549-569): VHSMIPLGSC[Thr559Asn]MKLNSSSELA

ClinVar aggregate classification (germline): Likely pathogenic. Review status: criteria provided, single submitter (1 of 4 stars). 2 submissions from 2 submitters: Likely pathogenic (1). 1 of the submissions does not count toward it. Last evaluated 2023-12-17.

Conditions:
Glycine encephalopathy 1 (GCE1). Identifiers: MedGen CN376801, MONDO:0958179, OMIM 605899.
Glycine encephalopathy. Also called: Non-ketotic hyperglycinemia; Nonketotic hyperglycinemia. Identifiers: Orphanet 407, MedGen C0751748, MONDO:0011612, HP:0008288.

Submissions (2):

Labcorp Genetics (formerly Invitae), Labcorp
Classification: Likely pathogenic for Glycine encephalopathy. Last evaluated: 2023-12-17. Review status: criteria provided, single submitter. Criteria: Invitae Variant Classification Sherloc (09022015). Collection method: clinical testing. Allele origin: germline.
Comment: This sequence change replaces threonine, which is neutral and polar, with asparagine, which is neutral and polar, at codon 559 of the GLDC protein (p.Thr559Asn). This variant is not present in population databases (gnomAD no frequency). This missense change has been observed in individual(s) with nonketotic hyperglycinemia (PMID: 27362913). ClinVar contains an entry for this variant (Variation ID: 558562). Advanced modeling of protein sequence and biophysical properties (such as structural, functional, and spatial information, amino acid conservation, physicochemical variation, residue mobility, and thermodynamic stability) performed at Invitae indicates that this missense variant is expected to disrupt GLDC protein function with a positive predictive value of 80%. In summary, the currently available evidence indicates that the variant is pathogenic, but additional data are needed to prove that conclusively. Therefore, this variant has been classified as Likely Pathogenic.

Counsyl
Classification: Uncertain significance for Glycine encephalopathy 1. Last evaluated: 2018-05-29. Review status: no assertion criteria provided. Collection method: clinical testing. Allele origin: unknown. Not counted in ClinVar's aggregate classification.

Literature cited by the submitters: PubMed 27362913 (cited by Labcorp Genetics (formerly Invitae), Labcorp and Counsyl).